The following is an entry in ClinVar:

ClinVar aggregate classification (germline): Pathogenic (1 of 4 stars; one submission).

Conditions:
Hereditary cancer-predisposing syndrome. Also called: Neoplastic Syndromes, Hereditary; Tumor predisposition; Hereditary Cancer Syndrome; Hereditary neoplastic syndrome. Identifiers: Orphanet 140162, MedGen C0027672, MeSH D009386, MONDO:0015356.

Submission:

Ambry Genetics
Classification: Pathogenic for Hereditary cancer-predisposing syndrome. Last evaluated: 2016-05-02. Review status: criteria provided, single submitter. Criteria: Ambry Variant Classification Scheme 2023. Collection method: clinical testing. Allele origin: germline.
Comment: The c.1536_1537dupTA pathogenic mutation, located in coding exon 9 of the BRCA2 gene, results from a duplication of TA at nucleotide position 1536, causing a translational frameshift with a predicted alternate stop codon. Since frameshifts are typically deleterious in nature, this alteration is interpreted as a disease-causing mutation (ACMG Recommendations for Standards for Interpretation and Reporting of Sequence Variations. Revision 2007. Genet Med. 2008;10:294).

NM_000059.4(BRCA2):c.1536_1537dup (p.Lys513fs)

Gene: BRCA2 (BRCA2 DNA repair associated; plus strand). Cytogenetic location: 13q13.1.
Variant type: Duplication.
Coding change: c.1536_1537dup on transcript NM_000059.4 (MANE Select); coding-DNA positions 1536 to 1537, 2 bases duplicated (TA; older notation c.1536_1537dupTA).
Protein change: p.Lys513fs; shifts the reading frame from lysine 513.
Molecular consequence: frameshift variant.
Genome position (GRCh38, 1-based): chr13:32,333,014-32,333,015, TA duplicated. VCF-style (leftmost placement, unchanged base first): chr13-32333013-C-CTA. GRCh37 (hg19) VCF-style: chr13-32907150-C-CTA.
Other names: c.1536_1537dupTA (NM_000059.3); short protein forms K513fs.
Identifiers: ClinVar variation 483023 (VCV000483023.5), dbSNP rs1555281937, ClinGen allele CA658656336.